The following is an entry in ClinVar:

NM_001009944.3(PKD1):c.8327_8339dup (p.Glu2780fs)

Gene: PKD1 (polycystin 1, transient receptor potential channel interacting; minus strand). Cytogenetic location: 16p13.3.
Variant type: Duplication.
Coding change: c.8327_8339dup on transcript NM_001009944.3 (MANE Select); coding-DNA positions 8327 to 8339, 13 bases duplicated (TGGCGGGCGAGGA).
Protein change: p.Glu2780fs; shifts the reading frame from glutamic acid 2780.
Molecular consequence: frameshift variant.
Genome position (GRCh38, 1-based): chr16:2,103,718-2,103,730, TCCTCGCCCGCCA duplicated on the plus strand (TGGCGGGCGAGGA on the coding strand, the reverse complement: PKD1 is on the minus strand). VCF-style (leftmost placement, unchanged base first): chr16-2103717-C-CTCCTCGCCCGCCA. GRCh37 (hg19) VCF-style: chr16-2153718-C-CTCCTCGCCCGCCA.
Other names: c.8327_8339dup, p.Glu2780fs (NM_000296.4); short protein forms E2780fs.
Identifiers: ClinVar variation 1806070 (VCV001806070.1), dbSNP rs2544745465, ClinGen allele CA923726169.

ClinVar aggregate classification (germline): Pathogenic (1 of 4 stars; one submission).

Conditions:
Polycystic kidney disease, adult type (PKD1). Also called: Polycystic Kidney Disease 1, Autosomal Dominant; Polycystic kidney disease 1; Polycystic kidney disease 1, severe; Polycystic Kidney, Autosomal Dominant; POLYCYSTIC KIDNEY DISEASE 1 WITH OR WITHOUT POLYCYSTIC LIVER DISEASE; POLYCYSTIC KIDNEY DISEASE, ADULT, TYPE I. Identifiers: MedGen C3149841, MONDO:0008263, OMIM 173900.

Submission:

Victorian Clinical Genetics Services, Murdoch Childrens Research Institute
Classification: Pathogenic for Polycystic kidney disease, adult type. Last evaluated: 2020-05-21. Review status: criteria provided, single submitter. Criteria: ACMG Guidelines, 2015. Collection method: clinical testing. Allele origin: germline. Inheritance: Autosomal dominant inheritance.
Comment: Based on the classification scheme VCGS_Germline_v1.1.1, this variant is classified as Pathogenic. Following criteria are met: 0102 - Loss-of-function is a known mechanism of disease for this gene. Multiple NMD-predicted variants have previously been reported in this gene (ClinVar). (N) 0107 - This gene is known to be associated with autosomal dominant disease. (N) 0201 - Variant is predicted to cause nonsense-mediated decay (NMD) and loss of protein (exon 23 of 46). (P) 0251 - Variant is heterozygous. (N) 0301 - Variant is absent from gnomAD. (P) 0701 - Comparable variants have very strong previous evidence for pathogenicity. Multiple NMD-predicted variants have been reported pathogenic in association with polycystic kidney disease (ClinVar). (P) 0807 - Variant has not previously been reported in a clinical context. (N) 0905 - No segregation evidence has been identified for this variant, ie. no segregation studies published in literature. (N) 1007 - No published functional evidence has been identified for this variant. (N) 1208 - Inheritance information for this variant is not currently available. (N) Legend: (P) - Pathogenic, (N) - Neutral, (B) - Benign